The following is an entry in ClinVar:

ClinVar aggregate classification (germline): Likely pathogenic (1 of 4 stars; one submission).

Conditions:
Alstrom syndrome (ALMS). Identifiers: Orphanet 64, MedGen C0268425, MONDO:0008763, OMIM 203800.

Submission:

Labcorp Genetics (formerly Invitae), Labcorp
Classification: Likely pathogenic for Alstrom syndrome. Last evaluated: 2023-12-30. Review status: criteria provided, single submitter. Criteria: Invitae Variant Classification Sherloc (09022015). Collection method: clinical testing. Allele origin: germline.
Comment: This sequence change affects a donor splice site in intron 12 of the ALMS1 gene. It is expected to disrupt RNA splicing. Variants that disrupt the donor or acceptor splice site typically lead to a loss of protein function (PMID: 16199547), and loss-of-function variants in ALMS1 are known to be pathogenic (PMID: 17594715). This variant is not present in population databases (gnomAD no frequency). This variant has not been reported in the literature in individuals affected with ALMS1-related conditions. Algorithms developed to predict the effect of sequence changes on RNA splicing suggest that this variant may disrupt the consensus splice site. In summary, the currently available evidence indicates that the variant is pathogenic, but additional data are needed to prove that conclusively. Therefore, this variant has been classified as Likely Pathogenic.

Literature cited by the submitters: PubMed 16199547; PubMed 17594715.

NM_001378454.1(ALMS1):c.9907+1G>A

Gene: ALMS1 (ALMS1 centrosome and basal body associated protein; plus strand). Cytogenetic location: 2p13.1.
Variant type: single nucleotide variant.
Coding change: c.9907+1G>A on transcript NM_001378454.1 (MANE Select); the canonical splice donor site of the intron after coding-DNA position 9907, G replaced by A.
Molecular consequence: splice donor variant.
Genome position (GRCh38, 1-based): chr2:73,534,950, G>A. VCF-style: chr2-73534950-G-A. GRCh37 (hg19) VCF-style: chr2-73762077-G-A.
Other names: c.9907+1G>A (NM_015120.4).
Identifiers: ClinVar variation 2706372 (VCV002706372.3), dbSNP rs2466340437, ClinGen allele CA347263815.